The following is an entry in ClinVar:

NM_004426.3(PHC1):c.1399C>A (p.Gln467Lys)

Gene: PHC1 (polyhomeotic homolog 1; plus strand). Cytogenetic location: 12p13.31.
Variant type: single nucleotide variant.
Coding change: c.1399C>A on transcript NM_004426.3 (MANE Select); coding-DNA position 1399, C replaced by A.
Protein change: p.Gln467Lys; replaces glutamine 467 with lysine.
Molecular consequence: missense variant. On other transcripts: non-coding transcript variant (1), intron variant (11).
Genome position (GRCh38, 1-based): chr12:8,932,856, C>A. VCF-style: chr12-8932856-C-A. GRCh37 (hg19) VCF-style: chr12-9085452-C-A.
Other names: c.1399C>A, p.Gln467Lys (NM_001413738.1); c.1393C>A, p.Gln465Lys (NM_001413739.1); c.1375C>A, p.Gln459Lys (NM_001413740.1); c.1288C>A, p.Gln430Lys (NM_001413741.1); c.1243C>A, p.Gln415Lys (NM_001413742.1, NM_001413743.1); c.1356+43C>A (NM_001413748.1, NM_001413746.1, NM_001413749.1); c.1332+43C>A (NM_001413751.1, NM_001413752.1); c.1374+25C>A (NM_001413744.1, NM_001413745.1, NM_001413747.1); and 3 more; short protein forms Q415K, Q430K, Q459K, Q465K, Q467K.
Identifiers: ClinVar variation 2498544 (VCV002498544.28), dbSNP rs12810327, ClinGen allele CA6437027.

ClinVar aggregate classification (germline): Benign (1 of 4 stars; one submission).

Allele frequency attached by ClinVar (database versions not stated): ESP Exome Variant Server 0.00047; 1000 Genomes Project 30x 0.00375; gnomAD 0.00618; gnomAD exomes 0.00774; ExAC 0.00866.
gnomAD v4.1: 9,281 of 1,234,088 alleles (0.75%); highest among the groups gnomAD compares: Non-Finnish European, 0.82%; 4 homozygotes.

Submission:

CeGaT Center for Human Genetics Tuebingen
Classification: Benign. Last evaluated: 2024-04-01. Review status: criteria provided, single submitter. Criteria: CeGaT Center For Human Genetics Tuebingen Variant Classification Criteria Version 2. Collection method: clinical testing. Allele origin: germline. Affected: yes. Observed: 5 variant alleles.
Comment: PHC1: BS1, BS2